The following is an entry in ClinVar:

ClinVar aggregate classification (germline): Likely benign. Review status: criteria provided, multiple submitters, no conflicts (2 of 4 stars). 2 submissions from 2 submitters: Likely benign (2). Last evaluated 2026-01-13.

Conditions:
Tuberous sclerosis 1 (TSC1). Identifiers: Orphanet 805, MedGen C1854465, MONDO:0008612, OMIM 191100.

Allele frequency attached by ClinVar (database versions not stated): ExAC 0.00003; gnomAD 0.00003 and 0.00004; TOPMed 0.00003; gnomAD exomes 0.00005 and 0.00006.
gnomAD v4.1: 70 of 1,613,814 alleles (0.0043%); highest among the groups gnomAD compares: East Asian, 0.047%; no homozygotes.

Submissions (2):

Labcorp Genetics (formerly Invitae), Labcorp
Classification: Likely benign for Tuberous sclerosis 1. Last evaluated: 2026-01-13. Review status: criteria provided, single submitter. Criteria: Invitae Variant Classification Sherloc (09022015). Collection method: clinical testing. Allele origin: germline.

GeneDx
Classification: Likely benign. Last evaluated: 2015-11-11. Review status: criteria provided, single submitter. Criteria: GeneDx Variant Classification (06012015). Collection method: clinical testing. Allele origin: germline. Affected: yes.
Comment: This variant is considered likely benign or benign based on one or more of the following criteria: it is a conservative change, it occurs at a poorly conserved position in the protein, it is predicted to be benign by multiple in silico algorithms, and/or has population frequency not consistent with disease.

NM_000368.5(TSC1):c.1263+15G>A

Gene: TSC1 (TSC complex subunit 1; minus strand). Cytogenetic location: 9q34.13.
Variant type: single nucleotide variant.
Coding change: c.1263+15G>A on transcript NM_000368.5 (MANE Select); 15 bases into the intron after coding-DNA position 1263, G replaced by A.
Molecular consequence: intron variant.
Genome position (GRCh38, 1-based): chr9:132,910,556, C>T on the plus strand (G>A on the coding strand, the complement: TSC1 is on the minus strand). VCF-style: chr9-132910556-C-T. GRCh37 (hg19) VCF-style: chr9-135785943-C-T.
Other names: c.900+15G>A (NM_001362177.2); c.1110+15G>A (NM_001162427.2); c.1260+15G>A (NM_001162426.2).
Identifiers: ClinVar variation 381512 (VCV000381512.10), dbSNP rs765809001, ClinGen allele CA027630.